The following is an entry in ClinVar:

ClinVar aggregate classification (germline): Likely pathogenic (1 of 4 stars; one submission).

Conditions:
Dilated cardiomyopathy 1G (CMD1G). Identifiers: Orphanet 154, MedGen C1858763, MONDO:0011400, OMIM 604145.
Autosomal recessive limb-girdle muscular dystrophy type 2J (LGMDR10). Also called: Limb-girdle muscular dystrophy, type 2J; MUSCULAR DYSTROPHY, LIMB-GIRDLE, AUTOSOMAL RECESSIVE 10. Identifiers: Orphanet 140922, MedGen C1837342, MONDO:0012127, OMIM 608807.

Submission:

Labcorp Genetics (formerly Invitae), Labcorp
Classification: Likely pathogenic for Dilated cardiomyopathy 1G; Autosomal recessive limb-girdle muscular dystrophy type 2J. Last evaluated: 2024-08-27. Review status: criteria provided, single submitter. Criteria: Invitae Variant Classification Sherloc (09022015). Collection method: clinical testing. Allele origin: germline.
Comment: This sequence change creates a premature translational stop signal (p.Leu33237Phefs*10) in the TTN gene. While this is not anticipated to result in nonsense mediated decay, it is expected to create a truncated TTN protein. This variant is not present in population databases (gnomAD no frequency). This variant has not been reported in the literature in individuals affected with TTN-related conditions. This variant is located in the A band of TTN (PMID: 25589632). Truncating variants in this region are significantly overrepresented in patients affected with dilated cardiomyopathy (PMID: 25589632). Truncating variants in this region have also been reported in individuals affected with autosomal recessive centronuclear myopathy (PMID: 23975875). In summary, the currently available evidence indicates that the variant is pathogenic, but additional data are needed to prove that conclusively. Therefore, this variant has been classified as Likely Pathogenic.

Literature cited by the submitters: PubMed 25589632; PubMed 23975875.

NM_001267550.2(TTN):c.99710dup (p.Leu33237fs)

Genes: TTN-AS1 (TTN antisense RNA 1; plus strand), TTN (titin; minus strand), LOC126806420 (BRD4-independent group 4 enhancer GRCh37_chr2:179401104-179402303; plus strand). Cytogenetic location: 2q31.2.
Variant type: Duplication.
Coding change: c.99710dup on transcript NM_001267550.2 (MANE Select); coding-DNA position 99710, one base duplicated (T; older notation c.99710dupT).
Protein change: p.Leu33237fs; shifts the reading frame from leucine 33237.
Molecular consequence: frameshift variant. On other transcripts: non-coding transcript variant (1).
Genome position (GRCh38, 1-based): chr2:178,537,497, A duplicated on the plus strand (T on the coding strand, the reverse complement: TTN is on the minus strand); the first of 4 consecutive A bases (chr2:178,537,497-178,537,500); duplicating any one gives the same sequence. VCF-style (leftmost placement, unchanged base first): chr2-178537496-C-CA. GRCh37 (hg19) VCF-style: chr2-179402223-C-CA.
Other names: c.94787dup, p.Leu31596fs (NM_001256850.1); c.72515dup, p.Leu24172fs (NM_003319.4); c.92006dup, p.Leu30669fs (NM_133378.4); c.72890dup, p.Leu24297fs (NM_133432.3); c.73091dup, p.Leu24364fs (NM_133437.4); short protein forms L24172fs, L24297fs, L24364fs, L30669fs, L31596fs, L33237fs.
Identifiers: ClinVar variation 3757827 (VCV003757827.2).